The following is an entry in ClinVar:

NM_001003800.2(BICD2):c.1749C>T (p.Pro583=)

Gene: BICD2 (BICD cargo adaptor 2; minus strand). Cytogenetic location: 9q22.31.
Variant type: single nucleotide variant.
Coding change: c.1749C>T on transcript NM_001003800.2 (MANE Select); coding-DNA position 1749, C replaced by T.
Protein change: p.Pro583=; no amino-acid change (proline 583 retained).
Molecular consequence: synonymous variant.
Genome position (GRCh38, 1-based): chr9:92,718,896, G>A on the plus strand (C>T on the coding strand, the complement: BICD2 is on the minus strand). VCF-style: chr9-92718896-G-A. GRCh37 (hg19) VCF-style: chr9-95481178-G-A.
Other names: c.1749C>T, p.Pro583= (NM_015250.4).
Identifiers: ClinVar variation 474267 (VCV000474267.22), dbSNP rs777813587, ClinGen allele CA5126486.

ClinVar aggregate classification (germline): Likely benign. Review status: criteria provided, multiple submitters, no conflicts (2 of 4 stars). 5 submissions from 5 submitters: Likely benign (5). Last evaluated 2026-04-21.

Conditions:
Inborn genetic diseases. Identifiers: MedGen C0950123, MeSH D030342.
Autosomal dominant childhood-onset proximal spinal muscular atrophy with contractures (SMALED2A). Also called: Spinal muscular atrophy, lower extremity-predominant, 2A, autosomal dominant; SPINAL MUSCULAR ATROPHY, LOWER EXTREMITY-PREDOMINANT, 2A, CHILDHOOD ONSET, AUTOSOMAL DOMINANT. Identifiers: Orphanet 363447, Orphanet 363454, MedGen C4747715, MONDO:0014121, OMIM 615290.

Allele frequency attached by ClinVar (database versions not stated): ExAC 0.00001; gnomAD exomes 0.00002 and 0.00021; gnomAD 0.00006 and 0.00007; TOPMed 0.00007.
gnomAD v4.1: 308 of 1,598,598 alleles (0.019%); highest among the groups gnomAD compares: Non-Finnish European, 0.026%; no homozygotes.

Submissions (5):

Women's Health and Genetics/Laboratory Corporation of America, LabCorp
Classification: Likely benign. Last evaluated: 2026-04-21. Review status: criteria provided, single submitter. Criteria: LabCorp Variant Classification Summary - May 2015. Collection method: clinical testing. Allele origin: germline.

Labcorp Genetics (formerly Invitae), Labcorp
Classification: Likely benign for Autosomal dominant childhood-onset proximal spinal muscular atrophy with contractures. Last evaluated: 2025-11-07. Review status: criteria provided, single submitter. Criteria: Invitae Variant Classification Sherloc (09022015). Collection method: clinical testing. Allele origin: germline.

Blueprint Genetics
Classification: Likely benign. Last evaluated: 2024-07-22. Review status: criteria provided, single submitter. Criteria: ACMG Guidelines, 2015. Collection method: clinical testing. Allele origin: germline.

Ambry Genetics
Classification: Likely benign for Inborn genetic diseases. Last evaluated: 2019-07-11. Review status: criteria provided, single submitter. Criteria: Ambry Variant Classification Scheme 2023. Collection method: clinical testing. Allele origin: germline.

ARUP Laboratories, Molecular Genetics and Genomics, ARUP Laboratories
Classification: Likely benign. Last evaluated: 2017-11-27. Review status: criteria provided, single submitter. Criteria: ARUP Molecular Germline Variant Investigation Process. Collection method: clinical testing. Allele origin: germline.
Comment: The p.Pro583Pro variant (rs777813587) does not alter the amino acid sequence of the BICD2 protein and computational splice site prediction algorithms do not predict a change in the nearest splice site or creation of a cryptic splice site (Alamut v2.10). This variant has not been reported in association with spinal muscular atrophy in medical literature or in gene specific variation databases. This variant is listed in the Genome Aggregation Database (gnomAD) with an overall population frequency of 0.003 percent (identified on 7 out of 244,732 chromosomes). Based on these observations, the p.Pro583Pro variant is likely to be benign.